The following is an entry in ClinVar:

NM_000207.3(INS):c.25C>T (p.Pro9Ser)

Genes: INS (insulin; minus strand), INS-IGF2 (INS-IGF2 readthrough; minus strand). Cytogenetic location: 11p15.5.
Variant type: single nucleotide variant.
Coding change: c.25C>T on transcript NM_000207.3 (MANE Select); coding-DNA position 25, C replaced by T.
Protein change: p.Pro9Ser; replaces proline 9 with serine.
Molecular consequence: missense variant. On other transcripts: non-coding transcript variant (1).
Genome position (GRCh38, 1-based): chr11:2,160,947, G>A on the plus strand (C>T on the coding strand, the complement: INS is on the minus strand). VCF-style: chr11-2160947-G-A. GRCh37 (hg19) VCF-style: chr11-2182177-G-A.
Other names: c.25C>T, p.Pro9Ser (NM_001185097.2, NM_001185098.2, NM_001291897.2 and 1 more transcripts); short protein forms P9S.
Identifiers: ClinVar variation 304058 (VCV000304058.11), dbSNP rs372122432, ClinGen allele CA10634387.

ClinVar aggregate classification (germline): Uncertain significance. Review status: criteria provided, multiple submitters, no conflicts (2 of 4 stars). 7 submissions from 6 submitters: Uncertain significance (7). Last evaluated 2024-05-08.

Conditions:
INS-related disorder. Also called: INS-related condition.
Maturity-onset diabetes of the young type 10. Identifiers: Orphanet 552, MedGen C3150617, MONDO:0013240, OMIM 613370.
Transient Neonatal Diabetes, Dominant/Recessive.
Hyperproinsulinemia. Identifiers: MedGen C0342283, MONDO:0014535, OMIM 616214.
Diabetes mellitus, permanent neonatal 4. Also called: INS-Related Permanent Neonatal Diabetes Mellitus. Identifiers: MedGen C5394307, MONDO:0030089, OMIM 618858.
Type 1 diabetes mellitus 2. Identifiers: MedGen C1852092, MONDO:0007454, OMIM 125852.
Neonatal insulin-dependent diabetes mellitus. Identifiers: MedGen C3278636, HP:0000857.

Allele frequency attached by ClinVar (database versions not stated): gnomAD exomes below 0.00001; gnomAD 0.00001; TOPMed 0.00001.
gnomAD v4.1: 11 of 1,612,424 alleles (0.00068%); highest among the groups gnomAD compares: East Asian, 0.013%; no homozygotes.

Submissions (7):

Blueprint Genetics
Classification: Uncertain significance. Last evaluated: 2024-05-08. Review status: criteria provided, single submitter. Criteria: ACMG Guidelines, 2015. Collection method: clinical testing. Allele origin: germline.

PreventionGenetics, part of Exact Sciences
Classification: Uncertain significance for INS-related condition. Last evaluated: 2022-11-15. Review status: criteria provided, single submitter. Criteria: ACMG Guidelines, 2015. Collection method: clinical testing. Allele origin: germline.
Comment: The INS c.25C>T variant is predicted to result in the amino acid substitution p.Pro9Ser. To our knowledge, this variant has not been reported in the literature or in a large population database, indicating this variant is rare. At this time, the clinical significance of this variant is uncertain due to the absence of conclusive functional and genetic evidence.

Fulgent Genetics
Classification: Uncertain significance for Type 1 diabetes mellitus 2; Maturity-onset diabetes of the young type 10; Hyperproinsulinemia; Diabetes mellitus, permanent neonatal 4. Last evaluated: 2022-03-19. Review status: criteria provided, single submitter. Criteria: ACMG Guidelines, 2015. Collection method: clinical testing. Allele origin: unknown.

New York Genome Center
Classification: Uncertain significance for Type 1 diabetes mellitus 2; Diabetes mellitus, permanent neonatal 4; Hyperproinsulinemia; Maturity-onset diabetes of the young type 10. Last evaluated: 2021-02-22. Review status: criteria provided, single submitter. Criteria: NYGC Assertion Criteria 2020. Collection method: clinical testing. Allele origin: germline. Observed: 1 heterozygote.
Comment: The heterozygous c.25C>T (p.Pro9Ser) missense variant identified in the INS gene is not reported in affected individuals in the literature. The variant has been reported in ClinVar as a variant of uncertain significance (Variation ID:304058). A different missense variant (p.Pro9Arg)affecting the same residue has been reported de novo in infants affected with neonatal diabetes mellitus [PMID:31196892, 31019026]. The p.Pro9Ser variant identified in this individual has 0.00001314 allele frequency in the gnomAD(V3) database (2 out of 152,230 heterozygous alleles, no homozygotes) suggesting it is not a common benign variant in populations represented in that database. The affected residue is weakly conserved and in silico tools provide conflicting predictions about potential pathogenicity of this variant [CADD score = 20.8, REVEL score = 0.428]. Based on the available evidence, the heterozygous c.25C>T (p.Pro9Ser)missense variant identified in the INS gene is reported as a variant of uncertain significance.

Illumina Laboratory Services, Illumina
Classification: Uncertain significance for Maturity-onset diabetes of the young type 10. Last evaluated: 2018-01-13. Review status: criteria provided, single submitter. Criteria: ICSL Variant Classification Criteria 13 December 2019. Collection method: clinical testing. Allele origin: germline.

Illumina Laboratory Services, Illumina
Classification: Uncertain significance for Transient Neonatal Diabetes, Dominant/Recessive. Last evaluated: 2018-01-13. Review status: criteria provided, single submitter. Criteria: ICSL Variant Classification Criteria 13 December 2019. Collection method: clinical testing. Allele origin: germline.

Clinical Genomics, Uppaluri K&H Personalized Medicine Clinic
Classification: Uncertain significance for Neonatal insulin-dependent diabetes mellitus. Review status: criteria provided, single submitter. Criteria: K & H Uppaluri Personalized Medicine Clinic Variant Classification & Assertion Criteria_Updated V.1. Collection method: research. Allele origin: unknown.
Comment: Mutations in INS gene can cause early onset diabetes mellitus which is insulin dependent. May have poor response to sulfonylureas, as this mutation can cause beta cell destruction. However no sufficient evidence is found to ascertain the role of this particular variant rs372122432, yet.

Literature cited by the submitters: PubMed 11921414 (cited by Clinical Genomics, Uppaluri K&H Personalized Medicine Clinic); PubMed 25542748 (cited by Clinical Genomics, Uppaluri K&H Personalized Medicine Clinic); PubMed 26101329 (cited by Clinical Genomics, Uppaluri K&H Personalized Medicine Clinic); PubMed 18171712 (cited by Clinical Genomics, Uppaluri K&H Personalized Medicine Clinic).